The following is an entry in ClinVar:

ClinVar aggregate classification (germline): Uncertain significance (1 of 4 stars; one submission).

Conditions:
PCNT-related disorder. Also called: PCNT-related condition.

Submission:

PreventionGenetics, part of Exact Sciences
Classification: Uncertain significance for PCNT-related condition. Last evaluated: 2026-04-30. Review status: criteria provided, single submitter. Criteria: ACMG Guidelines, 2015. Collection method: clinical testing. Allele origin: germline.
Comment: The PCNT c.3477G>C variant is predicted to result in the amino acid substitution p.Gln1159His. To our knowledge, this variant has not been reported in the literature or in a large population database (gnomAD), indicating this variant is rare. At this time, the clinical significance of this variant is uncertain due to the absence of conclusive functional and genetic evidence.

NM_006031.6(PCNT):c.3477G>C (p.Gln1159His)

Gene: PCNT (pericentrin; plus strand). Cytogenetic location: 21q22.3.
Variant type: single nucleotide variant.
Coding change: c.3477G>C on transcript NM_006031.6 (MANE Select); coding-DNA position 3477, G replaced by C.
Protein change: p.Gln1159His; replaces glutamine 1159 with histidine.
Molecular consequence: missense variant.
Genome position (GRCh38, 1-based): chr21:46,388,754, G>C. VCF-style: chr21-46388754-G-C. GRCh37 (hg19) VCF-style: chr21-47808669-G-C.
Other names: c.3123G>C, p.Gln1041His (NM_001315529.2); short protein forms Q1159H, Q1041H.
Identifiers: ClinVar variation 4992279 (VCV004992279.1).